The following is an entry in ClinVar:

ClinVar aggregate classification (germline): Uncertain significance (1 of 4 stars; one submission).

Conditions:
Gastrointestinal stromal tumor. Also called: Gastrointestinal stromal tumor, somatic; Gastrointestinal stroma tumor. Identifiers: Orphanet 44890, MedGen C0238198, MeSH D046152, MONDO:0011719, OMIM 606764, HP:0100723.

Submission:

Labcorp Genetics (formerly Invitae), Labcorp
Classification: Uncertain significance for Gastrointestinal stromal tumor. Last evaluated: 2024-03-01. Review status: criteria provided, single submitter. Criteria: Invitae Variant Classification Sherloc (09022015). Collection method: clinical testing. Allele origin: germline.
Comment: This sequence change falls in intron 4 of the PDGFRA gene. It does not directly change the encoded amino acid sequence of the PDGFRA protein. It affects a nucleotide within the consensus splice site. This variant is not present in population databases (gnomAD no frequency). This variant has not been reported in the literature in individuals affected with PDGFRA-related conditions. ClinVar contains an entry for this variant (Variation ID: 1018595). Variants that disrupt the consensus splice site are a relatively common cause of aberrant splicing (PMID: 17576681, 9536098). Algorithms developed to predict the effect of sequence changes on RNA splicing suggest that this variant is not likely to affect RNA splicing. In summary, the available evidence is currently insufficient to determine the role of this variant in disease. Therefore, it has been classified as a Variant of Uncertain Significance.

Literature cited by the submitters: PubMed 17576681; PubMed 9536098.

NM_006206.6(PDGFRA):c.629-3T>C

Gene: PDGFRA (platelet derived growth factor receptor alpha; plus strand). Cytogenetic location: 4q12.
Variant type: single nucleotide variant.
Coding change: c.629-3T>C on transcript NM_006206.6 (MANE Select); 3 bases into the intron before coding-DNA position 629, T replaced by C.
Molecular consequence: intron variant.
Genome position (GRCh38, 1-based): chr4:54,264,916, T>C. VCF-style: chr4-54264916-T-C. GRCh37 (hg19) VCF-style: chr4-55131083-T-C.
Other names: c.704-3T>C (NM_001347828.2); c.629-3T>C (NM_001347827.2, NM_001347829.2); c.668-3T>C (NM_001347830.2).
Identifiers: ClinVar variation 1018595 (VCV001018595.9), dbSNP rs1722947774, ClinGen allele CA1458527472.
Genomic context (GRCh38, chr4:54,264,916, plus strand): 5'-AACTTTATAAGATCCTGGCTATCCTGTGGATTTTTAGGCCCTTGTATTTGTTCTTTTTTA[T>C]AGCAACATCAGAGCTGGATCTAGAAATGGAAGCTCTTAAAACCGTGTATAAGTCAGGGGA-3'